The following is an entry in ClinVar:

NM_017934.7(PHIP):c.2998-14T>C

Genes: IRAK1BP1 (interleukin 1 receptor associated kinase 1 binding protein 1; plus strand), PHIP (PHIP subunit of CUL4-Ring ligase complex; minus strand). Cytogenetic location: 6q14.1.
Variant type: single nucleotide variant.
Coding change: c.2998-14T>C on transcript NM_017934.7 (MANE Select); 14 bases into the intron before coding-DNA position 2998, T replaced by C.
Molecular consequence: intron variant.
Genome position (GRCh38, 1-based): chr6:78,970,187, A>G on the plus strand (T>C on the coding strand, the complement: PHIP is on the minus strand). VCF-style: chr6-78970187-A-G. GRCh37 (hg19) VCF-style: chr6-79679904-A-G.
Identifiers: ClinVar variation 2778264 (VCV002778264.3), dbSNP rs752036165, ClinGen allele CA3899795.

ClinVar aggregate classification (germline): Uncertain significance (1 of 4 stars; one submission).

Allele frequency attached by ClinVar (database versions not stated): TOPMed below 0.00001; ExAC 0.00001; gnomAD exomes below 0.00001.
gnomAD v4.1: 2 of 1,605,650 alleles (0.00012%); highest among the groups gnomAD compares: Non-Finnish European, 0.00017%; no homozygotes.

Submission:

Labcorp Genetics (formerly Invitae), Labcorp
Classification: Uncertain significance. Last evaluated: 2025-04-22. Review status: criteria provided, single submitter. Criteria: Invitae Variant Classification Sherloc (09022015). Collection method: clinical testing. Allele origin: germline.
Comment: This sequence change falls in intron 25 of the PHIP gene. It does not directly change the encoded amino acid sequence of the PHIP protein. This variant is present in population databases (rs752036165, gnomAD 0.0009%). This variant has not been reported in the literature in individuals affected with PHIP-related conditions. ClinVar contains an entry for this variant (Variation ID: 2778264). Algorithms developed to predict the effect of sequence changes on RNA splicing suggest that this variant may disrupt the consensus splice site. In summary, the available evidence is currently insufficient to determine the role of this variant in disease. Therefore, it has been classified as a Variant of Uncertain Significance.